The following is an entry in ClinVar:

ClinVar aggregate classification (germline): Uncertain significance (1 of 4 stars; one submission).

Submission:

Women's Health and Genetics/Laboratory Corporation of America, LabCorp
Classification: Uncertain significance. Last evaluated: 2025-10-28. Review status: criteria provided, single submitter. Criteria: LabCorp Variant Classification Summary - May 2015. Collection method: clinical testing. Allele origin: germline.
Comment: Variant summary: The variant involves the duplication of exons 1-15 in the SDHA gene. A presumed nomenclature of c.(?_-37)_(*663_?)dup has been designated for the purposes of this classification. This duplication includes the entire coding sequence of the gene. As exact breakpoints are unknown, it may extend beyond the annotated region of the gene, to include other flanking genes. A variant involving the duplication of SDHA gene, along with other genes, was found at a frequency of 9.2e-05 in 21694 control chromosomes (gnomAD, structural variants dataset). The available data on variant occurrences in the general population are insufficient to allow any conclusion about variant significance. To our knowledge, no occurrence of c.(?_-37)_(*663_?)dup in individuals affected with SDHA-related conditions and no experimental evidence demonstrating its impact on protein function have been reported. ClinVar contains an entry for this variant (Variation ID: 1809540). Based on the evidence outlined above, the variant was classified as uncertain significance.

NC_000005.9:g.(?_218434)_(257198_?)dup

Gene: SDHA (succinate dehydrogenase complex flavoprotein subunit A; plus strand). Cytogenetic location: 5p15.33.
Variant type: Duplication.
Identifiers: ClinVar variation 3063782 (VCV003063782.2).